The following is an entry in ClinVar:

ClinVar aggregate classification (germline): Uncertain significance (1 of 4 stars; one submission).

gnomAD v4.1: 9 of 1,209,576 alleles (0.00074%); highest among the groups gnomAD compares: African/African-American, 0.016%; no homozygotes.

Submission:

Ambry Genetics
Classification: Uncertain significance. Last evaluated: 2026-01-25. Review status: criteria provided, single submitter. Criteria: Ambry Variant Classification Scheme 2023. Collection method: clinical testing. Allele origin: germline.
Comment: The c.249G>T (p.E83D) alteration is located in exon 1 (coding exon 1) of the PCDH11X gene. This alteration results from a G to T substitution at nucleotide position 249, causing the glutamic acid (E) at amino acid position 83 to be replaced by an aspartic acid (D). Based on data from gnomAD, the T allele has an overall frequency of 0.005% (1/22047) total alleles studied. The highest observed frequency was 0.017% (1/5934) of African alleles. Based on insufficient or conflicting evidence, the clinical significance of this alteration remains unclear.

NM_032968.5(PCDH11X):c.249G>T (p.Glu83Asp)

Gene: PCDH11X (protocadherin 11 X-linked; plus strand). Cytogenetic location: Xq21.31.
Variant type: single nucleotide variant.
Coding change: c.249G>T on transcript NM_032968.5 (MANE Select); coding-DNA position 249, G replaced by T.
Protein change: p.Glu83Asp; replaces glutamic acid 83 with aspartic acid.
Molecular consequence: missense variant.
Genome position (GRCh38, 1-based): chrX:91,835,753, G>T. VCF-style: chrX-91835753-G-T. GRCh37 (hg19) VCF-style: chrX-91090752-G-T.
Other names: c.249G>T, p.Glu83Asp (NM_001168360.1, NM_001168361.1, NM_001168362.1 and 2 more transcripts); short protein forms E83D.
Identifiers: ClinVar variation 4839701 (VCV004839701.1).